The following is an entry in ClinVar:

ClinVar aggregate classification (germline): Uncertain significance (1 of 4 stars; one submission).

Allele frequency attached by ClinVar (database versions not stated): gnomAD 0.00001.
gnomAD v4.1: 67 of 1,610,522 alleles (0.0042%); highest among the groups gnomAD compares: East Asian, 0.018%; no homozygotes.

Submission:

Labcorp Genetics (formerly Invitae), Labcorp
Classification: Uncertain significance. Last evaluated: 2023-07-22. Review status: criteria provided, single submitter. Criteria: Invitae Variant Classification Sherloc (09022015). Collection method: clinical testing. Allele origin: germline.
Comment: This variant has not been reported in the literature in individuals affected with WDR36-related conditions. An algorithm developed to predict the effect of missense changes on protein structure and function (PolyPhen-2) suggests that this variant is likely to be disruptive. In summary, the available evidence is currently insufficient to determine the role of this variant in disease. Therefore, it has been classified as a Variant of Uncertain Significance. This variant is present in population databases (rs773683578, gnomAD 0.006%). This sequence change replaces arginine, which is basic and polar, with histidine, which is basic and polar, at codon 298 of the WDR36 protein (p.Arg298His).

NM_139281.3(WDR36):c.725G>A (p.Arg242His)

Gene: WDR36 (WD repeat domain 36; plus strand). Cytogenetic location: 5q22.1.
Variant type: single nucleotide variant.
Coding change: c.725G>A on transcript NM_139281.3 (MANE Select); coding-DNA position 725, G replaced by A.
Protein change: p.Arg242His; replaces arginine 242 with histidine.
Molecular consequence: missense variant.
Genome position (GRCh38, 1-based): chr5:111,103,913, G>A. VCF-style: chr5-111103913-G-A. GRCh37 (hg19) VCF-style: chr5-110439612-G-A.
Other names: short protein forms R242H.
Identifiers: ClinVar variation 2905720 (VCV002905720.3), dbSNP rs773683578, ClinGen allele CA3365398.
Genomic context (GRCh38, chr5:111,103,913, plus strand): 5'-TTAATGAAACATTAATGAAGTTTCGTCAAGACTGGGGACCCATTACTTCAATTTCATTTC[G>A]CACAGGTAACTTTTAACATACTTATTGATAGGAGTTAAGAACACTTAAAATTCATTACTT-3'
Protein context (NP_644810.2, residues 232-252): DWGPITSISF[Arg242His]TDGHPVMAAG